The following is an entry in ClinVar:

NM_000264.5(PTCH1):c.1126T>A (p.Phe376Ile)

Gene: PTCH1 (patched 1; minus strand). Cytogenetic location: 9q22.32.
Variant type: single nucleotide variant.
Coding change: c.1126T>A on transcript NM_000264.5 (MANE Select); coding-DNA position 1126, T replaced by A.
Protein change: p.Phe376Ile; replaces phenylalanine 376 with isoleucine.
Molecular consequence: missense variant. On other transcripts: non-coding transcript variant (1).
Genome position (GRCh38, 1-based): chr9:95,479,089, A>T on the plus strand (T>A on the coding strand, the complement: PTCH1 is on the minus strand). VCF-style: chr9-95479089-A-T. GRCh37 (hg19) VCF-style: chr9-98241371-A-T.
Other names: c.928T>A, p.Phe310Ile (NM_001083602.3); c.1123T>A, p.Phe375Ile (NM_001083603.3); c.673T>A, p.Phe225Ile (NM_001083604.3, NM_001083605.3, NM_001083606.3 and 1 more transcripts); c.1126T>A, p.Phe376Ile (NM_001354918.2); short protein forms F376I, F310I, F225I, F375I.
Identifiers: ClinVar variation 3784628 (VCV003784628.1).
Genomic context (GRCh38, chr9:95,479,089, plus strand): 5'-GGATGGCTGCCGCTTTGTCCTCGTTCCAGTTGATGTGTGAGACATACTCGTACCCCTTGA[A>T]GTGCTCGTACATTTGCTTGGGAGTCATTAACTGGAACATGGTCTGCAGGGCATGGGCGCT-3'
Protein context (NP_000255.2, residues 366-386): LMTPKQMYEH[Phe376Ile]KGYEYVSHIN

ClinVar aggregate classification (germline): Uncertain significance (1 of 4 stars; one submission).

Conditions:
Hereditary cancer-predisposing syndrome. Also called: Neoplastic Syndromes, Hereditary; Hereditary Cancer Syndrome; Tumor predisposition; Hereditary neoplastic syndrome. Identifiers: Orphanet 140162, MedGen C0027672, MeSH D009386, MONDO:0015356.

Submission:

Ambry Genetics
Classification: Uncertain significance for Hereditary cancer-predisposing syndrome. Last evaluated: 2025-01-06. Review status: criteria provided, single submitter. Criteria: Ambry Variant Classification Scheme 2023. Collection method: clinical testing. Allele origin: germline.
Comment: The p.F376I variant (also known as c.1126T>A), located in coding exon 8 of the PTCH1 gene, results from a T to A substitution at nucleotide position 1126. The phenylalanine at codon 376 is replaced by isoleucine, an amino acid with highly similar properties. This amino acid position is conserved. In addition, the in silico prediction for this alteration is inconclusive. Based on the available evidence, the clinical significance of this variant remains unclear.